The following is an entry in ClinVar:

NM_033305.3(VPS13A):c.5286_5289del (p.Asn1763fs)

Gene: VPS13A (vacuolar protein sorting 13 homolog A; plus strand). Cytogenetic location: 9q21.2.
Variant type: Deletion.
Coding change: c.5286_5289del on transcript NM_033305.3 (MANE Select); coding-DNA positions 5286 to 5289, 4 bases deleted (AAAT; older notation c.5286_5289delAAAT).
Protein change: p.Asn1763fs; shifts the reading frame from asparagine 1763.
Molecular consequence: frameshift variant.
Genome position (GRCh38, 1-based): chr9:77,318,564-77,318,567, AAAT deleted; deleting any 4 consecutive bases within chr9:77,318,561-77,318,567 gives the same sequence; the c. name uses the placement nearest the transcript's 3' end. VCF-style (leftmost placement, unchanged base first): chr9-77318560-TAATA-T. GRCh37 (hg19) VCF-style: chr9-79933476-TAATA-T.
Other names: c.5169_5172del, p.Asn1724fs (NM_001018037.2); c.5286_5289del, p.Asn1763fs (NM_001018038.3, NM_015186.4); short protein forms N1724fs, N1763fs.
Identifiers: ClinVar variation 4854415 (VCV004854415.1).

ClinVar aggregate classification (germline): Pathogenic (1 of 4 stars; one submission).

Conditions:
VPS13A-related neurodegenerative disease. Also called: LEVINE-CRITCHLEY SYNDROME; Choreaacanthocytosis; ACANTHOCYTOSIS WITH NEUROLOGIC DISORDER; Choreoacanthocytosis; Chorea-acanthocytosis; VPS13A Disease. Identifiers: Orphanet 2388, MedGen C0393576, MONDO:0008695, OMIM 200150.

Submission:

3billion
Classification: Pathogenic for VPS13A-related neurodegenerative disease. Last evaluated: 2025-06-09. Review status: criteria provided, single submitter. Criteria: ACMG Guidelines, 2015. Collection method: clinical testing. Allele origin: germline. Affected: yes.
Comment: The variant is observed at an extremely low frequency in the gnomAD v4.1.0 dataset (total allele frequency: <0.001%). Predicted Consequence/Location: Frameshift: predicted to result in a loss or disruption of normal protein function through nonsense-mediated decay (NMD) or protein truncation. Multiple pathogenic variants are reported downstream of the variant. Therefore, this variant is classified as Pathogenic according to the recommendation of ACMG/AMP guideline.